The following is an entry in ClinVar:

NM_002474.3(MYH11):c.1198C>T (p.Arg400Cys)

Gene: MYH11 (myosin heavy chain 11; minus strand). Cytogenetic location: 16p13.11.
Variant type: single nucleotide variant.
Coding change: c.1198C>T on transcript NM_002474.3 (MANE Select); coding-DNA position 1198, C replaced by T.
Protein change: p.Arg400Cys; replaces arginine 400 with cysteine.
Molecular consequence: missense variant.
Genome position (GRCh38, 1-based): chr16:15,760,590, G>A on the plus strand (C>T on the coding strand, the complement: MYH11 is on the minus strand). VCF-style: chr16-15760590-G-A. GRCh37 (hg19) VCF-style: chr16-15854447-G-A.
Other names: c.1219C>T, p.Arg407Cys (NM_001040113.2, NM_001040114.2); c.1198C>T, p.Arg400Cys (NM_022844.3); short protein forms R407C, R400C.
Identifiers: ClinVar variation 923639 (VCV000923639.9), dbSNP rs1179634554, ClinGen allele CA394872951.
Genomic context (GRCh38, chr16:15,760,590, plus strand): 5'-ACATCATTACCTGTTCTTTTGTCTGAGCTTTCTGTACCACATCTCGCCCAACCTTGATAC[G>A]AGGAGTGAGGATGGATCTGGTGAAATCTGTCACATTAATTCCCATGAGGTGGCAAACTTT-3'
Protein context (NP_002465.1, residues 390-410): TDFTRSILTP[Arg400Cys]IKVGRDVVQK

ClinVar aggregate classification (germline): Uncertain significance. Review status: criteria provided, multiple submitters, no conflicts (2 of 4 stars). 3 submissions from 3 submitters: Uncertain significance (3). Last evaluated 2024-03-06.

Conditions:
Familial thoracic aortic aneurysm and aortic dissection (TAAD). Also called: Thoracic aortic aneurysms and dissections. Identifiers: Orphanet 91387, MedGen C4707243, MONDO:0019625.
Aortic aneurysm, familial thoracic 4 (AAT4). Also called: AORTIC ANEURYSM/AORTIC DISSECTION AND PATENT DUCTUS ARTERIOSUS. Identifiers: MedGen C1851504, MONDO:0007568, OMIM 132900.

Allele frequency attached by ClinVar (database versions not stated): gnomAD exomes below 0.00001.

Submissions (3):

Color Diagnostics, LLC DBA Color Health
Classification: Uncertain significance for Familial thoracic aortic aneurysm and aortic dissection. Last evaluated: 2024-03-06. Review status: criteria provided, single submitter. Criteria: ACMG Guidelines, 2015. Collection method: clinical testing. Allele origin: germline.
Comment: This missense variant replaces arginine with cysteine at codon 407 of the MYH11 protein. Computational prediction suggests that this variant may have deleterious impact on protein structure and function (internally defined REVEL score threshold >= 0.7, PMID: 27666373). To our knowledge, functional studies have not been reported for this variant. This variant has not been reported in individuals affected with cardiovascular disorders in the literature. This variant has been identified in 1/251494 chromosomes in the general population by the Genome Aggregation Database (gnomAD). The available evidence is insufficient to determine the role of this variant in disease conclusively. Therefore, this variant is classified as a Variant of Uncertain Significance.

Labcorp Genetics (formerly Invitae), Labcorp
Classification: Uncertain significance for Aortic aneurysm, familial thoracic 4. Last evaluated: 2023-12-27. Review status: criteria provided, single submitter. Criteria: Invitae Variant Classification Sherloc (09022015). Collection method: clinical testing. Allele origin: germline.
Comment: This sequence change replaces arginine, which is basic and polar, with cysteine, which is neutral and slightly polar, at codon 407 of the MYH11 protein (p.Arg407Cys). This variant is present in population databases (no rsID available, gnomAD 0.0009%). This variant has not been reported in the literature in individuals affected with MYH11-related conditions. ClinVar contains an entry for this variant (Variation ID: 923639). Advanced modeling of protein sequence and biophysical properties (such as structural, functional, and spatial information, amino acid conservation, physicochemical variation, residue mobility, and thermodynamic stability) performed at Invitae indicates that this missense variant is not expected to disrupt MYH11 protein function with a negative predictive value of 80%. In summary, the available evidence is currently insufficient to determine the role of this variant in disease. Therefore, it has been classified as a Variant of Uncertain Significance.

Ambry Genetics
Classification: Uncertain significance for Familial thoracic aortic aneurysm and aortic dissection. Last evaluated: 2021-03-23. Review status: criteria provided, single submitter. Criteria: Ambry Variant Classification Scheme 2023. Collection method: clinical testing. Allele origin: germline.
Comment: The p.R400C variant (also known as c.1198C>T), located in coding exon 10 of the MYH11 gene, results from a C to T substitution at nucleotide position 1198. The arginine at codon 400 is replaced by cysteine, an amino acid with highly dissimilar properties. This amino acid position is highly conserved in available vertebrate species. In addition, this alteration is predicted to be deleterious by in silico analysis. Since supporting evidence is limited at this time, the clinical significance of this alteration remains unclear.